The following is an entry in ClinVar:

ClinVar aggregate classification (germline): Uncertain significance (1 of 4 stars; one submission).

Conditions:
Charcot-Marie-Tooth disease type 4. Also called: Charcot-Marie-Tooth disease, type IV; Charcot-Marie-Tooth, Type 4. Identifiers: Orphanet 64749, MedGen C4082197, MONDO:0018995.

Allele frequency attached by ClinVar (database versions not stated): gnomAD 0.00001.
gnomAD v4.1: 13 of 1,612,578 alleles (0.00081%); highest among the groups gnomAD compares: African/African-American, 0.0013%; no homozygotes.

Submission:

Labcorp Genetics (formerly Invitae), Labcorp
Classification: Uncertain significance for Charcot-Marie-Tooth disease type 4. Last evaluated: 2022-05-24. Review status: criteria provided, single submitter. Criteria: Invitae Variant Classification Sherloc (09022015). Collection method: clinical testing. Allele origin: germline.
Comment: This variant is present in population databases (rs766814812, gnomAD 0.008%). This sequence change replaces serine, which is neutral and polar, with arginine, which is basic and polar, at codon 420 of the SH3TC2 protein (p.Ser420Arg). This variant has not been reported in the literature in individuals affected with SH3TC2-related conditions. In summary, the available evidence is currently insufficient to determine the role of this variant in disease. Therefore, it has been classified as a Variant of Uncertain Significance. Advanced modeling of protein sequence and biophysical properties (such as structural, functional, and spatial information, amino acid conservation, physicochemical variation, residue mobility, and thermodynamic stability) performed at Invitae indicates that this missense variant is not expected to disrupt SH3TC2 protein function. ClinVar contains an entry for this variant (Variation ID: 640082).

NM_024577.4(SH3TC2):c.1260C>A (p.Ser420Arg)

Gene: SH3TC2 (SH3 domain and tetratricopeptide repeats 2; minus strand). Cytogenetic location: 5q32.
Variant type: single nucleotide variant.
Coding change: c.1260C>A on transcript NM_024577.4 (MANE Select); coding-DNA position 1260, C replaced by A.
Protein change: p.Ser420Arg; replaces serine 420 with arginine.
Molecular consequence: missense variant.
Genome position (GRCh38, 1-based): chr5:149,028,472, G>T on the plus strand (C>A on the coding strand, the complement: SH3TC2 is on the minus strand). VCF-style: chr5-149028472-G-T. GRCh37 (hg19) VCF-style: chr5-148408035-G-T.
Other names: short protein forms S420R.
Identifiers: ClinVar variation 640082 (VCV000640082.8), dbSNP rs766814812, ClinGen allele CA3499215.